The following is an entry in ClinVar:

NM_152558.5(IQCE):c.405T>C (p.Pro135=)

Gene: IQCE (IQ motif containing E; plus strand). Cytogenetic location: 7p22.3.
Variant type: single nucleotide variant.
Coding change: c.405T>C on transcript NM_152558.5 (MANE Select); coding-DNA position 405, T replaced by C.
Protein change: p.Pro135=; no amino-acid change (proline 135 retained).
Molecular consequence: synonymous variant.
Genome position (GRCh38, 1-based): chr7:2,573,428, T>C. VCF-style: chr7-2573428-T-C. GRCh37 (hg19) VCF-style: chr7-2613062-T-C.
Other names: c.405T>C, p.Pro135= (NM_001287499.2); c.357T>C, p.Pro119= (NM_001287500.2); c.210T>C, p.Pro70= (NM_001287501.2, NM_001287502.2); c.405T>C (NM_152558.4).
Identifiers: ClinVar variation 1300117 (VCV001300117.4), dbSNP rs61739566, ClinGen allele CA4128599.

ClinVar aggregate classification (germline): Benign. Review status: criteria provided, single submitter (1 of 4 stars). 2 submissions from 2 submitters: Benign (1). 1 of the submissions does not count toward it. Last evaluated 2021-08-19.

Conditions:
Polydactyly, postaxial, type a7. Identifiers: MedGen C4539976, MONDO:0060550, OMIM 617642.
IQCE-related disorder. Also called: IQCE-related condition.

Allele frequency attached by ClinVar (database versions not stated): 1000 Genomes Project 0.09645; 1000 Genomes Project 30x 0.09947; TOPMed 0.13212; gnomAD exomes 0.13573 and 0.13688; gnomAD 0.14265 and 0.14502; ExAC 0.14407; ESP Exome Variant Server 0.15259.
gnomAD v4.1: 199,772 of 1,467,512 alleles (14%); highest among the groups gnomAD compares: Non-Finnish European, 14%; 14,948 homozygotes.

Submissions (2):

Genome-Nilou Lab
Classification: Benign for Polydactyly, postaxial, type a7. Last evaluated: 2021-08-19. Review status: criteria provided, single submitter. Criteria: ACMG Guidelines, 2015. Collection method: clinical testing. Allele origin: germline. Affected: no.

PreventionGenetics, part of Exact Sciences
Classification: Benign for IQCE-related condition. Last evaluated: 2019-12-02. Review status: no assertion criteria provided. Collection method: clinical testing. Allele origin: germline. Not counted in ClinVar's aggregate classification.
Comment: This variant is classified as benign based on ACMG/AMP sequence variant interpretation guidelines (Richards et al. 2015 PMID: 25741868, with internal and published modifications).